The following is an entry in ClinVar:

NM_014915.3(ANKRD26):c.3831_3836del (p.His1277_Glu1279delinsGln)

Gene: ANKRD26 (ankyrin repeat domain 26; minus strand). Cytogenetic location: 10p12.1.
Variant type: Deletion.
Coding change: c.3831_3836del on transcript NM_014915.3 (MANE Select); coding-DNA positions 3831 to 3836, 6 bases deleted (TACAGA; older notation c.3831_3836delTACAGA).
Protein change: p.His1277_Glu1279delinsGln.
Molecular consequence: inframe indel.
Genome position (GRCh38, 1-based): chr10:27,029,328-27,029,333, TCTGTA deleted on the plus strand (TACAGA on the coding strand, the reverse complement: ANKRD26 is on the minus strand); deleting any 6 consecutive bases within chr10:27,029,328-27,029,334 gives the same sequence; the c. name uses the placement nearest the transcript's 3' end. VCF-style (leftmost placement, unchanged base first): chr10-27029327-TTCTGTA-T. GRCh37 (hg19) VCF-style: chr10-27318256-TTCTGTA-T.
Other names: c.3828_3833del, p.His1276_Glu1278delinsGln (NM_001256053.2).
Identifiers: ClinVar variation 4728430 (VCV004728430.1).
Genomic context (GRCh38, chr10:27,029,327, plus strand): 5'-GTGCTGCTTTAAATTTTACTTTTGCTTGTGATCTTGCATCTTCTCAGCACATCTGACAGC[TTCTGTA>T]TGTCGATCCTGTGCTTCTTGCAACTAAAACAAAGAATAAAAAAAACCCACTTTACTAATA-3'

ClinVar aggregate classification (germline): Uncertain significance (1 of 4 stars; one submission).

Submission:

Labcorp Genetics (formerly Invitae), Labcorp
Classification: Uncertain significance. Last evaluated: 2025-10-27. Review status: criteria provided, single submitter. Criteria: Invitae Variant Classification Sherloc (09022015). Collection method: clinical testing. Allele origin: germline.
Comment: This variant, c.3831_3836del, is a complex sequence change that results in the deletion of 3 and insertion of 1 amino acid(s) in the ANKRD26 protein (p.His1277_Glu1279delinsGln). This variant is not present in population databases (gnomAD no frequency). This variant has not been reported in the literature in individuals affected with ANKRD26-related conditions. Experimental studies and prediction algorithms are not available or were not evaluated, and the functional significance of this variant is currently unknown. In summary, the available evidence is currently insufficient to determine the role of this variant in disease. Therefore, it has been classified as a Variant of Uncertain Significance.